The following is an entry in ClinVar:

NM_006015.6(ARID1A):c.4832T>C (p.Met1611Thr)

Gene: ARID1A (AT-rich interaction domain 1A; plus strand). Cytogenetic location: 1p36.11.
Variant type: single nucleotide variant.
Coding change: c.4832T>C on transcript NM_006015.6 (MANE Select); coding-DNA position 4832, T replaced by C.
Protein change: p.Met1611Thr; replaces methionine 1611 with threonine.
Molecular consequence: missense variant.
Genome position (GRCh38, 1-based): chr1:26,775,059, T>C. VCF-style: chr1-26775059-T-C. GRCh37 (hg19) VCF-style: chr1-27101550-T-C.
Other names: c.4181T>C, p.Met1394Thr (NM_139135.4); short protein forms M1394T, M1611T.
Identifiers: ClinVar variation 3374904 (VCV003374904.1).

ClinVar aggregate classification (germline): Uncertain significance (1 of 4 stars; one submission).

Submission:

Women's Health and Genetics/Laboratory Corporation of America, LabCorp
Classification: Uncertain significance. Last evaluated: 2024-09-11. Review status: criteria provided, single submitter. Criteria: LabCorp Variant Classification Summary - May 2015. Collection method: clinical testing. Allele origin: germline.
Comment: Variant summary: ARID1A c.4832T>C (p.Met1611Thr) results in a non-conservative amino acid change in the encoded protein sequence. Three of five in-silico tools predict a benign effect of the variant on protein function. The variant allele was found at a frequency of 4e-06 in 250750 control chromosomes. The available data on variant occurrences in the general population are insufficient to allow any conclusion about variant significance. To our knowledge, no occurrence of c.4832T>C in individuals affected with Mental Retardation, Autosomal Dominant 14 and no experimental evidence demonstrating its impact on protein function have been reported. No submitters have cited clinical-significance assessments for this variant to ClinVar. Based on the evidence outlined above, the variant was classified as uncertain significance.